The following is an entry in ClinVar:

NM_004360.5(CDH1):c.959A>T (p.Asn320Ile)

Gene: CDH1 (cadherin 1; plus strand). Cytogenetic location: 16q22.1.
Variant type: single nucleotide variant.
Coding change: c.959A>T on transcript NM_004360.5 (MANE Select); coding-DNA position 959, A replaced by T.
Protein change: p.Asn320Ile; replaces asparagine 320 with isoleucine.
Molecular consequence: missense variant. On other transcripts: 5 prime UTR variant (2).
Genome position (GRCh38, 1-based): chr16:68,811,810, A>T. VCF-style: chr16-68811810-A-T. GRCh37 (hg19) VCF-style: chr16-68845713-A-T.
Other names: c.959A>T, p.Asn320Ile (NM_001317184.2); c.-657A>T (NM_001317185.2); c.-861A>T (NM_001317186.2); short protein forms N320I.
Identifiers: ClinVar variation 2747987 (VCV002747987.3), dbSNP rs1262816479, ClinGen allele CA396459811.
Genomic context (GRCh38, chr16:68,811,810, plus strand): 5'-TCGCTTACACCATCCTCAGCCAAGATCCTGAGCTCCCTGACAAAAATATGTTCACCATTA[A>T]CAGGAACACAGGAGTCATCAGTGTGGTCACCACTGGGCTGGACCGAGAGGTCAGGGGTCA-3'
Protein context (NP_004351.1, residues 310-330): ELPDKNMFTI[Asn320Ile]RNTGVISVVT

ClinVar aggregate classification (germline): Uncertain significance (1 of 4 stars; one submission).

Conditions:
Hereditary diffuse gastric adenocarcinoma (HDGC). Also called: DIFFUSE GASTRIC AND LOBULAR BREAST CANCER SYNDROME. Identifiers: Orphanet 26106, MedGen C1708349, MONDO:0007648, OMIM 137215.

Submission:

Labcorp Genetics (formerly Invitae), Labcorp
Classification: Uncertain significance for Hereditary diffuse gastric adenocarcinoma. Last evaluated: 2023-07-29. Review status: criteria provided, single submitter. Criteria: Invitae Variant Classification Sherloc (09022015). Collection method: clinical testing. Allele origin: germline.
Comment: In summary, the available evidence is currently insufficient to determine the role of this variant in disease. Therefore, it has been classified as a Variant of Uncertain Significance. An algorithm developed to predict the effect of missense changes on protein structure and function (PolyPhen-2) suggests that this variant is likely to be disruptive. This variant has not been reported in the literature in individuals affected with CDH1-related conditions. This variant is not present in population databases (gnomAD no frequency). This sequence change replaces asparagine, which is neutral and polar, with isoleucine, which is neutral and non-polar, at codon 320 of the CDH1 protein (p.Asn320Ile).